The following is an entry in ClinVar:

ClinVar aggregate classification (germline): Pathogenic. Review status: reviewed by expert panel (3 of 4 stars). 3 submissions from 3 submitters: Pathogenic (1). 2 of the submissions do not count toward it. Last evaluated 2023-08-25.

Conditions:
CDH1-related diffuse gastric and lobular breast cancer syndrome. Also called: CDH1-related diffuse gastric and lobular breast cancer. Identifiers: MedGen CN311521, MONDO:0100488.
Hereditary diffuse gastric adenocarcinoma (HDGC). Also called: DIFFUSE GASTRIC AND LOBULAR BREAST CANCER SYNDROME. Identifiers: Orphanet 26106, MedGen C1708349, MONDO:0007648, OMIM 137215.

Submissions (3):

Clingen Gastric Cancer Variant Curation Expert Panel
Classification: Pathogenic for CDH1-related diffuse gastric and lobular breast cancer syndrome. Last evaluated: 2023-08-25. Review status: reviewed by expert panel. Criteria: ClinGen CDH1 ACMG Specifications V3.1. Collection method: curation. Allele origin: germline. Inheritance: Autosomal dominant inheritance.
Comment: The c.1612delG p.(Asp538Thrfs) variant is predicted to result in a premature stop codon that leads to a truncated or absent protein (PVS1, PM5_Supporting). The variant is absent in the gnomAD cohort (PM2_Supporting). This variant has been reported in at least one family meeting HDGC clinical criteria (PS4_Supporting; PMID: 29131691). In summary, this variant meets criteria to be classified as pathogenic based on the ACMG/AMP criteria applied as specified by the CDH1 Variant Curation Expert Panel (Variant Interpretation Guidelines Version 3.1): PVS1, PM2_Supporting, PS4_Supporting, PM5_Supporting.

European Reference Network on Genetic Tumour Risk Syndromes (ERN-GENTURIS), i3s - Instituto de Investigação e Inovação em Saúde, University of Porto
Classification: Pathogenic for Hereditary diffuse gastric adenocarcinoma. Last evaluated: 2022-08-01. Review status: criteria provided, single submitter. Criteria: Lee et al. (Hum Mutat. 2018). Collection method: clinical testing. Allele origin: germline. Inheritance: Autosomal dominant inheritance. Affected: yes. Study: ERN GENTURIS. Not counted in ClinVar's aggregate classification.
Comment: PVS1; PS4_Supporting; PM2 (PMID: 30311375)

Immunopatologia e Biomarcatori Oncologici/Bio-proteomics facility, Centro di Riferimento Oncologico
Classification: Pathogenic for Hereditary diffuse gastric adenocarcinoma. Last evaluated: 2017-01-02. Review status: criteria provided, single submitter. Criteria: Submitter's publication. Collection method: research. Allele origin: germline. Inheritance: Autosomal dominant inheritance. Affected: yes. Observed: 1 variant allele, 1 heterozygote. Not counted in ClinVar's aggregate classification.

Literature cited by the submitters: PubMed 29295527 (cited by Clingen Gastric Cancer Variant Curation Expert Panel); PubMed 29131691 (cited by Clingen Gastric Cancer Variant Curation Expert Panel); PubMed 36436516 (cited by European Reference Network on Genetic Tumour Risk Syndromes (ERN-GENTURIS), i3s - Instituto de Investigação e Inovação em Saúde, University of Porto).

NM_004360.5(CDH1):c.1612del (p.Asp538fs)

Gene: CDH1 (cadherin 1; plus strand). Cytogenetic location: 16q22.1.
Variant type: Deletion.
Coding change: c.1612del on transcript NM_004360.5 (MANE Select); coding-DNA position 1612, one base deleted (G; older notation c.1612delG).
Protein change: p.Asp538fs; shifts the reading frame from aspartic acid 538.
Molecular consequence: frameshift variant. On other transcripts: intron variant (1).
Genome position (GRCh38, 1-based): chr16:68,819,326, G deleted; the last of 2 consecutive G bases (chr16:68,819,325-68,819,326); deleting either gives the same sequence. VCF-style (leftmost placement, unchanged base first): chr16-68819324-CG-C. GRCh37 (hg19) VCF-style: chr16-68853227-CG-C.
Other names: c.1612del (LRG_301t1, NM_004360.4); c.1429del, p.Asp477fs (NM_001317184.2); c.64del, p.Asp22fs (NM_001317185.2); c.-254-2675del (NM_001317186.2); c.1612delG (NM_004360.4); short protein forms D22fs, D477fs, D538fs.
Identifiers: ClinVar variation 437928 (VCV000437928.7), dbSNP rs1555516545, ClinGen allele CA645509536.
Genomic context (GRCh38, chr16:68,819,324, plus strand): 5'-GCTTGTCCCCGTTCAGATATCGGATTTGGAGAGACACTGCCAACTGGCTGGAGATTAATC[CG>C]GACACTGGTGCCATTTCCACTCGGGCTGAGCTGGACAGGGAGGATTTTGAGCACGTGAAG-3'